The following is an entry in ClinVar:

NC_000022.11:g.40346313A>C

Gene: ADSL (adenylosuccinate lyase; plus strand). Cytogenetic location: 22q13.1.
Variant type: single nucleotide variant.
Genome position: GRCh38 VCF-style: chr22-40346313-A-C. GRCh37 (hg19) VCF-style: chr22-40742317-A-C.
Identifiers: ClinVar variation 1466802 (VCV001466802.6), dbSNP rs2146610598, ClinGen allele CA2573158348.

ClinVar aggregate classification (germline): Uncertain significance (1 of 4 stars; one submission).

Conditions:
Adenylosuccinate lyase deficiency (ADSLD). Also called: ADSL DEFICIENCY. Identifiers: Orphanet 46, MedGen C0268126, MONDO:0007068, OMIM 103050.

Submission:

Labcorp Genetics (formerly Invitae), Labcorp
Classification: Uncertain significance for Adenylosuccinate lyase deficiency. Last evaluated: 2023-11-27. Review status: criteria provided, single submitter. Criteria: Invitae Variant Classification Sherloc (09022015). Collection method: clinical testing. Allele origin: germline.
Comment: This variant occurs in a non-coding region of the ADSL gene. It does not change the encoded amino acid sequence of the ADSL protein. This variant is not present in population databases (gnomAD no frequency). This variant has not been reported in the literature in individuals affected with ADSL-related conditions. Experimental studies and prediction algorithms are not available or were not evaluated, and the functional significance of this variant is currently unknown. In summary, the available evidence is currently insufficient to determine the role of this variant in disease. Therefore, it has been classified as a Variant of Uncertain Significance.